The following is an entry in ClinVar:

NM_015154.3(MESD):c.631_632del (p.Lys211fs)

Gene: MESD (mesoderm development LRP chaperone; minus strand). Cytogenetic location: 15q25.1.
Variant type: Deletion.
Coding change: c.631_632del on transcript NM_015154.3 (MANE Select); coding-DNA positions 631 to 632, 2 bases deleted (AA; older notation c.631_632delAA).
Protein change: p.Lys211fs; shifts the reading frame from lysine 211.
Molecular consequence: frameshift variant. On other transcripts: non-coding transcript variant (1).
Genome position (GRCh38, 1-based): chr15:80,979,292-80,979,293, TT deleted on the plus strand (AA on the coding strand, the reverse complement: MESD is on the minus strand); deleting any 2 consecutive bases within chr15:80,979,292-80,979,299 gives the same sequence; the c. name uses the placement nearest the transcript's 3' end. VCF-style (leftmost placement, unchanged base first): chr15-80979291-CTT-C. GRCh37 (hg19) VCF-style: chr15-81271632-CTT-C.
Other names: short protein forms K211fs.
Identifiers: ClinVar variation 692264 (VCV000692264.2), dbSNP rs745891632, ClinGen allele CA915946127.

ClinVar aggregate classification (germline): Likely pathogenic. Review status: criteria provided, single submitter (1 of 4 stars). 2 submissions from 2 submitters: Likely pathogenic (1). 1 of the submissions does not count toward it. Last evaluated 2023-08-27.

Conditions:
Osteogenesis imperfecta, type 20. Also called: OSTEOGENESIS IMPERFECTA, TYPE XX. Identifiers: MedGen C5231439, MONDO:0032846, OMIM 618644.

Submissions (2):

3billion
Classification: Likely pathogenic for Osteogenesis imperfecta, type 20. Last evaluated: 2023-08-27. Review status: criteria provided, single submitter. Criteria: ACMG Guidelines, 2015. Collection method: clinical testing. Allele origin: germline. Affected: yes.
Comment: The variant is not observed in the gnomAD v2.1.1 dataset. Predicted Consequence/Location: Frameshift: predicted to result in a loss or disruption of normal protein function through protein truncation. The predicted truncated protein may be shortened by more than 10%. The variant has been reported to be associated with MESD related disorder (ClinVar ID: VCV000692264 /PMID: 31564437). Therefore, this variant is classified as Likely pathogenic according to the recommendation of ACMG/AMP guideline.

OMIM
Classification: Pathogenic for OSTEOGENESIS IMPERFECTA, TYPE XX. Last evaluated: 2019-10-25. Review status: no assertion criteria provided. Collection method: literature only. Allele origin: germline. Not counted in ClinVar's aggregate classification.

Literature cited by the submitters: PubMed 31564437 (cited by 3billion and OMIM).